The following is an entry in ClinVar:

NM_000059.4(BRCA2):c.6841+6T>C

Gene: BRCA2 (BRCA2 DNA repair associated; plus strand). Cytogenetic location: 13q13.1.
Variant type: single nucleotide variant.
Coding change: c.6841+6T>C on transcript NM_000059.4 (MANE Select); 6 bases into the intron after coding-DNA position 6841, T replaced by C.
Molecular consequence: intron variant.
Genome position (GRCh38, 1-based): chr13:32,341,202, T>C. VCF-style: chr13-32341202-T-C. GRCh37 (hg19) VCF-style: chr13-32915339-T-C.
Identifiers: ClinVar variation 390062 (VCV000390062.1), dbSNP rs1057523634, ClinGen allele CA16606434.

ClinVar aggregate classification (germline): Likely benign (1 of 4 stars; one submission).

Submission:

GeneDx
Classification: Likely benign. Last evaluated: 2016-10-11. Review status: criteria provided, single submitter. Criteria: GeneDx Variant Classification (06012015). Collection method: clinical testing. Allele origin: germline. Affected: yes.
Comment: This variant is considered likely benign or benign based on one or more of the following criteria: it is a conservative change, it occurs at a poorly conserved position in the protein, it is predicted to be benign by multiple in silico algorithms, and/or has population frequency not consistent with disease.